The following is an entry in ClinVar:

NM_004444.5(EPHB4):c.2022dup (p.Asn675fs)

Gene: EPHB4 (EPH receptor B4; minus strand). Cytogenetic location: 7q22.1.
Variant type: Duplication.
Coding change: c.2022dup on transcript NM_004444.5 (MANE Select); coding-DNA position 2022, one base duplicated (C; older notation c.2022dupC).
Protein change: p.Asn675fs; shifts the reading frame from asparagine 675.
Molecular consequence: frameshift variant.
Genome position (GRCh38, 1-based): chr7:100,812,843, G duplicated on the plus strand (C on the coding strand, the reverse complement: EPHB4 is on the minus strand); the first of 4 consecutive G bases (chr7:100,812,843-100,812,846); duplicating any one gives the same sequence. VCF-style (leftmost placement, unchanged base first): chr7-100812842-T-TG. GRCh37 (hg19) VCF-style: chr7-100410464-T-TG.
Other names: short protein forms N675fs.
Identifiers: ClinVar variation 2446205 (VCV002446205.4), dbSNP rs1812969416, ClinGen allele CA1729506970.

ClinVar aggregate classification (germline): Pathogenic. Review status: criteria provided, multiple submitters, no conflicts (2 of 4 stars). 2 submissions from 2 submitters: Pathogenic (2). Last evaluated 2026-10-13.

Submissions (2):

GeneDx
Classification: Pathogenic. Last evaluated: 2026-10-13. Review status: criteria provided, single submitter. Criteria: GeneDx Variant Classification Process June 2021. Collection method: clinical testing. Allele origin: germline.
Comment: Frameshift variant predicted to result in protein truncation or nonsense mediated decay in a gene for which loss of function is a known mechanism of disease; Not observed in large population cohorts (gnomAD); This variant is associated with the following publications: (PMID: Carr2026[Article])

Labcorp Genetics (formerly Invitae), Labcorp
Classification: Pathogenic. Last evaluated: 2025-02-26. Review status: criteria provided, single submitter. Criteria: Invitae Variant Classification Sherloc (09022015). Collection method: clinical testing. Allele origin: germline.
Comment: This sequence change creates a premature translational stop signal (p.Asn675Glnfs*84) in the EPHB4 gene. It is expected to result in an absent or disrupted protein product. Loss-of-function variants in EPHB4 are known to be pathogenic (PMID: 28687708). This variant is not present in population databases (gnomAD no frequency). This variant has not been reported in the literature in individuals affected with EPHB4-related conditions. ClinVar contains an entry for this variant (Variation ID: 2446205). For these reasons, this variant has been classified as Pathogenic.

Literature cited by the submitters: PubMed 28687708 (cited by Labcorp Genetics (formerly Invitae), Labcorp).